The following is an entry in ClinVar:

ClinVar aggregate classification (germline): Uncertain significance (1 of 4 stars; one submission).

Conditions:
Glycogen storage disease type III (GSD3). Also called: FORBES DISEASE; Cori disease. Identifiers: Orphanet 366, MedGen C0017922, MONDO:0009291, OMIM 232400.

Submission:

Labcorp Genetics (formerly Invitae), Labcorp
Classification: Uncertain significance for Glycogen storage disease type III. Last evaluated: 2022-06-09. Review status: criteria provided, single submitter. Criteria: Invitae Variant Classification Sherloc (09022015). Collection method: clinical testing. Allele origin: germline.
Comment: This sequence change replaces tryptophan, which is neutral and slightly polar, with arginine, which is basic and polar, at codon 299 of the AGL protein (p.Trp299Arg). Information on the frequency of this variant in the gnomAD database is not available, as this variant may be reported differently in the database. This variant has not been reported in the literature in individuals affected with AGL-related conditions. Experimental studies and prediction algorithms are not available or were not evaluated, and the functional significance of this variant is currently unknown. In summary, the available evidence is currently insufficient to determine the role of this variant in disease. Therefore, it has been classified as a Variant of Uncertain Significance.

NM_000642.3(AGL):c.894_895delinsTC (p.Trp299Arg)

Gene: AGL (amylo-alpha-1,6-glucosidase and 4-alpha-glucanotransferase; plus strand). Cytogenetic location: 1p21.2.
Variant type: Indel.
Coding change: c.894_895delinsTC on transcript NM_000642.3 (MANE Select); coding-DNA positions 894 to 895, CT replaced by TC.
Protein change: p.Trp299Arg; replaces tryptophan 299 with arginine.
Molecular consequence: missense variant.
Genome position (GRCh38, 1-based): chr1:99,870,805-99,870,806, CT replaced by TC. VCF-style: chr1-99870805-CT-TC. GRCh37 (hg19) VCF-style: chr1-100336361-CT-TC.
Other names: c.894_895delCTinsTC, p.Trp299Arg (NM_000028.3, NM_000643.3, NM_000644.3 and 3 more transcripts); c.846_847delCTinsTC, p.Trp283Arg (NM_000646.3); c.690_691delCTinsTC, p.Trp231Arg (NM_001425328.1, NM_001425329.1); c.516_517delCTinsTC, p.Trp173Arg (NM_001425332.1); short protein forms W299R, W283R, W173R, W231R.
Identifiers: ClinVar variation 1432322 (VCV001432322.3), dbSNP rs2101113438, ClinGen allele CA2573132628.
Genomic context (GRCh38, chr1:99,870,805, plus strand): 5'-TGACATTTTTCAGTCCATCCGAAAAATAATTTGGGAGGATATTTTTCCAAAGCTTAAACT[CT>TC]GGGAATTTTTCCAAGTAGATGTCAACAAAGCGGTTGAGCAATTTAGAAGACTTCTTACAC-3'
Protein context (NP_000633.2, residues 289-309): WEDIFPKLKL[Trp299Arg]EFFQVDVNKA